The following is an entry in ClinVar:

ClinVar aggregate classification (germline): Uncertain significance (1 of 4 stars; one submission).

gnomAD v4.1: 12 of 1,582,826 alleles (0.00076%); highest among the groups gnomAD compares: Non-Finnish European, 0.00077%; no homozygotes.

Submission:

Labcorp Genetics (formerly Invitae), Labcorp
Classification: Uncertain significance. Last evaluated: 2025-10-06. Review status: criteria provided, single submitter. Criteria: Invitae Variant Classification Sherloc (09022015). Collection method: clinical testing. Allele origin: germline.
Comment: This sequence change falls in intron 2 of the SNX10 gene. It does not directly change the encoded amino acid sequence of the SNX10 protein. It affects a nucleotide within the consensus splice site. The frequency data for this variant in the population databases is considered unreliable, as metrics indicate poor data quality at this position in the gnomAD database. This variant has not been reported in the literature in individuals affected with SNX10-related conditions. Variants that disrupt the consensus splice site are a relatively common cause of aberrant splicing (PMID: 17576681, 9536098). Algorithms developed to predict the effect of sequence changes on RNA splicing suggest that this variant may disrupt the consensus splice site. In summary, the available evidence is currently insufficient to determine the role of this variant in disease. Therefore, it has been classified as a Variant of Uncertain Significance.

Literature cited by the submitters: PubMed 17576681; PubMed 9536098.

NM_013322.3(SNX10):c.25-3C>T

Gene: SNX10 (sorting nexin 10; plus strand). Cytogenetic location: 7p15.2.
Variant type: single nucleotide variant.
Coding change: c.25-3C>T on transcript NM_013322.3 (MANE Select); 3 bases into the intron before coding-DNA position 25, C replaced by T.
Molecular consequence: intron variant. On other transcripts: nonsense (1).
Genome position (GRCh38, 1-based): chr7:26,360,972, C>T. VCF-style: chr7-26360972-C-T. GRCh37 (hg19) VCF-style: chr7-26400592-C-T.
Other names: c.13C>T, p.Gln5Ter (NM_001199837.3); c.103-3C>T (NM_001362754.1, NM_001362753.1, NM_001318198.1); c.25-3C>T (NM_001199835.1, NM_001318199.3); short protein forms Q5*.
Identifiers: ClinVar variation 4778201 (VCV004778201.1).
Genomic context (GRCh38, chr7:26,360,972, plus strand): 5'-CAGTTCTTTCCAGTCCTACTTGCAGTTCTGAAGAATATTTCTTTGTTTATGATGCCATTA[C>T]AGGAATTTGTAAGTGTCTGGGTTCGAGATCCTAGGATTCAGAAGGAGGACTTCTGGCATT-3'